The following is an entry in ClinVar:

ClinVar aggregate classification (germline): Uncertain significance. Review status: criteria provided, multiple submitters, no conflicts (2 of 4 stars). 5 submissions from 5 submitters: Uncertain significance (5). Last evaluated 2025-10-06.

Conditions:
Hereditary nonpolyposis colorectal neoplasms. Identifiers: MedGen C0009405, MeSH D003123.
Endometrial carcinoma. Also called: Endometrial carcinoma, somatic. Identifiers: MedGen C0476089, MONDO:0002447, OMIM 608089, HP:0012114.
Hereditary cancer-predisposing syndrome. Also called: Neoplastic Syndromes, Hereditary; Tumor predisposition; Hereditary neoplastic syndrome; Hereditary Cancer Syndrome. Identifiers: Orphanet 140162, MedGen C0027672, MeSH D009386, MONDO:0015356.

Allele frequency attached by ClinVar (database versions not stated): TOPMed below 0.00001; gnomAD 0.00001.
gnomAD v4.1: 1 of 1,613,754 alleles (0.000062%); highest among the groups gnomAD compares: Non-Finnish European, 0.000085%; no homozygotes.

Submissions (5):

Quest Diagnostics Nichols Institute San Juan Capistrano
Classification: Uncertain significance. Last evaluated: 2025-10-06. Review status: criteria provided, single submitter. Criteria: Quest Diagnostics criteria. Collection method: clinical testing. Allele origin: unknown.
Comment: The MSH6 c.3901A>G (p.Asn1301Asp) variant has been detected in the published literature in individuals with cutaneous melanoma (PMID: 39001563 (2021)), pediatric leukemia (PMID: 26580448 (2015)), and in a reportedly unaffected individual (PMID: 36243179 (2022)). The frequency of this variant in the general population (Genome Aggregation Database) is uninformative in the assessment of its pathogenicity. Analysis of this variant using bioinformatics tools for the prediction of the effect of amino acid changes on protein structure and function yielded predictions that this variant is damaging. Based on the available information, we are unable to determine the clinical significance of this variant.

Ambry Genetics
Classification: Uncertain significance for Hereditary cancer-predisposing syndrome. Last evaluated: 2024-11-21. Review status: criteria provided, single submitter. Criteria: Ambry Variant Classification Scheme 2023. Collection method: clinical testing. Allele origin: germline.
Comment: The p.N1301D variant (also known as c.3901A>G), located in coding exon 9 of the MSH6 gene, results from an A to G substitution at nucleotide position 3901. The asparagine at codon 1301 is replaced by aspartic acid, an amino acid with highly similar properties. This amino acid position is highly conserved in available vertebrate species. In addition, the in silico prediction for this alteration is inconclusive. Based on the available evidence, the clinical significance of this variant remains unclear.

Labcorp Genetics (formerly Invitae), Labcorp
Classification: Uncertain significance for Hereditary nonpolyposis colorectal neoplasms. Last evaluated: 2024-08-21. Review status: criteria provided, single submitter. Criteria: Invitae Variant Classification Sherloc (09022015). Collection method: clinical testing. Allele origin: germline.
Comment: This sequence change replaces asparagine, which is neutral and polar, with aspartic acid, which is acidic and polar, at codon 1301 of the MSH6 protein (p.Asn1301Asp). This variant is not present in population databases (gnomAD no frequency). This variant has not been reported in the literature in individuals affected with MSH6-related conditions. ClinVar contains an entry for this variant (Variation ID: 824364). Invitae Evidence Modeling of protein sequence and biophysical properties (such as structural, functional, and spatial information, amino acid conservation, physicochemical variation, residue mobility, and thermodynamic stability) indicates that this missense variant is not expected to disrupt MSH6 protein function with a negative predictive value of 95%. In summary, the available evidence is currently insufficient to determine the role of this variant in disease. Therefore, it has been classified as a Variant of Uncertain Significance.

Baylor Genetics
Classification: Uncertain significance for Endometrial carcinoma. Last evaluated: 2024-02-21. Review status: criteria provided, single submitter. Criteria: ACMG Guidelines, 2015. Collection method: clinical testing. Allele origin: unknown.

Color Diagnostics, LLC DBA Color Health
Classification: Uncertain significance for Hereditary cancer-predisposing syndrome. Last evaluated: 2020-01-13. Review status: criteria provided, single submitter. Criteria: ACMG Guidelines, 2015. Collection method: clinical testing. Allele origin: germline.
Comment: This missense variant replaces asparagine with aspartic acid at codon 1301 of the MSH6 protein. Computational prediction suggests that this variant may have deleterious impact on protein structure and function (internally defined REVEL score threshold >= 0.7, PMID: 27666373). Splice site prediction tools suggest that this variant may not impact RNA splicing. To our knowledge, functional studies have not been performed for this variant. This variant has not been reported in individuals affected with hereditary cancer in the literature. This variant has not been identified in the general population by the Genome Aggregation Database (gnomAD). The available evidence is insufficient to determine the role of this variant in disease conclusively. Therefore, this variant is classified as a Variant of Uncertain Significance.

Literature cited by the submitters: PubMed 39001563 (cited by Quest Diagnostics Nichols Institute San Juan Capistrano); PubMed 26580448 (cited by Quest Diagnostics Nichols Institute San Juan Capistrano); PubMed 36243179 (cited by Quest Diagnostics Nichols Institute San Juan Capistrano).

NM_000179.3(MSH6):c.3901A>G (p.Asn1301Asp)

Gene: MSH6 (mutS homolog 6; plus strand). Cytogenetic location: 2p16.3.
Variant type: single nucleotide variant.
Coding change: c.3901A>G on transcript NM_000179.3 (MANE Select); coding-DNA position 3901, A replaced by G.
Protein change: p.Asn1301Asp; replaces asparagine 1301 with aspartic acid.
Molecular consequence: missense variant.
Genome position (GRCh38, 1-based): chr2:47,806,551, A>G. VCF-style: chr2-47806551-A-G. GRCh37 (hg19) VCF-style: chr2-48033690-A-G.
Other names: c.3511A>G, p.Asn1171Asp (NM_001281492.2); c.2995A>G, p.Asn999Asp (NM_001281493.2, NM_001281494.2); short protein forms N1171D, N1301D, N999D.
Identifiers: ClinVar variation 824364 (VCV000824364.21), dbSNP rs1184905732, ClinGen allele CA346761421.